The following is an entry in ClinVar:

ClinVar aggregate classification (germline): Uncertain significance. Review status: criteria provided, multiple submitters, no conflicts (2 of 4 stars). 3 submissions from 3 submitters: Uncertain significance (2). 1 of the submissions does not count toward it. Last evaluated 2016-12-19.

Conditions:
Dilated cardiomyopathy 1G (CMD1G). Identifiers: Orphanet 154, MedGen C1858763, MONDO:0011400, OMIM 604145.
Autosomal recessive limb-girdle muscular dystrophy type 2J (LGMDR10). Also called: Limb-girdle muscular dystrophy, type 2J; MUSCULAR DYSTROPHY, LIMB-GIRDLE, AUTOSOMAL RECESSIVE 10. Identifiers: Orphanet 140922, MedGen C1837342, MONDO:0012127, OMIM 608807.

Allele frequency attached by ClinVar (database versions not stated): gnomAD 0.00001; TOPMed 0.00002.
gnomAD v4.1: 15 of 1,613,650 alleles (0.00093%); highest among the groups gnomAD compares: African/African-American, 0.0013%; no homozygotes.

Submissions (3):

Labcorp Genetics (formerly Invitae), Labcorp
Classification: Uncertain significance for Dilated cardiomyopathy 1G; Autosomal recessive limb-girdle muscular dystrophy type 2J. Last evaluated: 2016-12-19. Review status: criteria provided, single submitter. Criteria: Invitae Variant Classification Sherloc (09022015). Collection method: clinical testing. Allele origin: germline.

Laboratory for Molecular Medicine, Mass General Brigham Personalized Medicine
Classification: Uncertain significance. Last evaluated: 2014-02-27. Review status: criteria provided, single submitter. Criteria: LMM Criteria. Collection method: clinical testing. Allele origin: germline. Observed: 1 variant allele.
Comment: The Met30388Thr variant in TTN has not been previously reported in individuals w ith cardiomyopathy or in large population studies. Computational prediction tool s and conservation analysis suggest that this variant may impact the protein, th ough this information is not predictive enough to determine pathogenicity. Addit ional information is needed to fully assess the clinical significance of the Met 30388Thr variant.

Department of Pathology and Laboratory Medicine, Sinai Health System
Classification: Uncertain significance. Review status: no assertion criteria provided. Collection method: clinical testing. Allele origin: unknown. Affected: yes. Study: The Canadian Open Genetics Repository (COGR). Not counted in ClinVar's aggregate classification.
Comment: The TTN p.(Met23891Thr) variant was not identified in the literature nor was it identified in the ClinVar, Cosmic, MutDB or LOVD 3.0 databases but was identified in dbSNP (ID: rs727504962). The variant was not identified in the following control databases: the 1000 Genomes Project, the NHLBI GO Exome Sequencing Project, the Exome Aggregation Consortium (August 8th 2016), or the Genome Aggregation Database (Feb 27, 2017). The p.Met23891 residue is conserved in mammals and computational analyses (PolyPhen-2, BLOSUM, MutationTaster) predict impact to the protein; however this information is not predictive enough to assume pathogenicity. In summary, based on the above information the clinical significance of this variant cannot be determined with certainty at this time. This variant is classified as a variant of uncertain significance.

NM_001267550.2(TTN):c.98867T>C (p.Met32956Thr)

Genes: TTN (titin; minus strand), TTN-AS1 (TTN antisense RNA 1; plus strand). Cytogenetic location: 2q31.2.
Variant type: single nucleotide variant.
Coding change: c.98867T>C on transcript NM_001267550.2 (MANE Select); coding-DNA position 98867, T replaced by C.
Protein change: p.Met32956Thr; replaces methionine 32956 with threonine.
Molecular consequence: missense variant. On other transcripts: non-coding transcript variant (1).
Genome position (GRCh38, 1-based): chr2:178,539,068, A>G on the plus strand (T>C on the coding strand, the complement: TTN is on the minus strand). VCF-style: chr2-178539068-A-G. GRCh37 (hg19) VCF-style: chr2-179403795-A-G.
Other names: c.93944T>C, p.Met31315Thr (NM_001256850.1); c.72047T>C, p.Met24016Thr (NM_133432.3); c.72248T>C, p.Met24083Thr (NM_133437.4); c.71672T>C, p.Met23891Thr (NM_003319.4); c.91163T>C, p.Met30388Thr (NM_133378.4); short protein forms M30388T, M32956T, M24083T, M31315T, M23891T, M24016T.
Identifiers: ClinVar variation 179578 (VCV000179578.8), dbSNP rs727504962, ClinGen allele CA184701.